The following is an entry in ClinVar:

NM_001377540.1(SLMAP):c.1849A>G (p.Thr617Ala)

Gene: SLMAP (sarcolemma associated protein; plus strand). Cytogenetic location: 3p14.3.
Variant type: single nucleotide variant.
Coding change: c.1849A>G on transcript NM_001377540.1 (MANE Select); coding-DNA position 1849, A replaced by G.
Protein change: p.Thr617Ala; replaces threonine 617 with alanine.
Molecular consequence: missense variant. On other transcripts: non-coding transcript variant (1).
Genome position (GRCh38, 1-based): chr3:57,912,530, A>G. VCF-style: chr3-57912530-A-G. GRCh37 (hg19) VCF-style: chr3-57898257-A-G.
Other names: c.1798A>G, p.Thr600Ala (NM_001304420.3, NM_001377541.1, NM_001377542.1); c.1684A>G, p.Thr562Ala (NM_001304421.2, NM_001377557.1, NM_001377559.1); c.400A>G, p.Thr134Ala (NM_001304422.3, NM_001311178.2); c.202A>G, p.Thr68Ala (NM_001304423.3); c.277A>G, p.Thr93Ala (NM_001311179.2, NM_001377926.1, NM_001377927.1 and 1 more transcripts); c.1870A>G, p.Thr624Ala (NM_001377538.1); c.1849A>G, p.Thr617Ala (NM_001377539.1); c.1786A>G, p.Thr596Ala (NM_001377545.1); and 8 more; short protein forms T134A, T521A, T538A, T542A, T555A, T559A, T562A, T576A.
Identifiers: ClinVar variation 3226001 (VCV003226001.1), dbSNP rs1218208085, ClinGen allele CA353408524.

ClinVar aggregate classification (germline): Uncertain significance (1 of 4 stars; one submission).

Allele frequency attached by ClinVar (database versions not stated): gnomAD 0.00001; gnomAD exomes below 0.00001; TOPMed below 0.00001.
gnomAD v4.1: 2 of 1,614,064 alleles (0.00012%); highest among the groups gnomAD compares: African/African-American, 0.0027%; no homozygotes.

Submission:

Ambry Genetics
Classification: Uncertain significance. Last evaluated: 2023-09-22. Review status: criteria provided, single submitter. Criteria: Ambry Variant Classification Scheme 2023. Collection method: clinical testing. Allele origin: germline.
Comment: The p.T583A variant (also known as c.1747A>G), located in coding exon 17 of the SLMAP gene, results from an A to G substitution at nucleotide position 1747. The threonine at codon 583 is replaced by alanine, an amino acid with similar properties. This amino acid position is conserved. In addition, this alteration is predicted to be tolerated by in silico analysis. Since supporting evidence is limited at this time, the clinical significance of this alteration remains unclear.